The following is an entry in ClinVar:

NM_016239.4(MYO15A):c.6093_6100del (p.Arg2032fs)

Gene: MYO15A (myosin XVA; plus strand). Cytogenetic location: 17p11.2.
Variant type: Deletion.
Coding change: c.6093_6100del on transcript NM_016239.4 (MANE Select); coding-DNA positions 6093 to 6100, 8 bases deleted (TCGACTCC; older notation c.6093_6100delTCGACTCC).
Protein change: p.Arg2032fs; shifts the reading frame from arginine 2032.
Molecular consequence: frameshift variant.
Genome position (GRCh38, 1-based): chr17:18,143,916-18,143,923, TCGACTCC deleted; deleting any 8 consecutive bases within chr17:18,143,910-18,143,923 gives the same sequence; the c. name uses the placement nearest the transcript's 3' end. VCF-style (leftmost placement, unchanged base first): chr17-18143909-GGACTCCTC-G. GRCh37 (hg19) VCF-style: chr17-18047223-GGACTCCTC-G.
Other names: short protein forms R2032fs.
Identifiers: ClinVar variation 2696876 (VCV002696876.3), dbSNP rs2545266506, ClinGen allele CA2697559469.

ClinVar aggregate classification (germline): Pathogenic (1 of 4 stars; one submission).

Submission:

Labcorp Genetics (formerly Invitae), Labcorp
Classification: Pathogenic. Last evaluated: 2023-11-17. Review status: criteria provided, single submitter. Criteria: Invitae Variant Classification Sherloc (09022015). Collection method: clinical testing. Allele origin: germline.
Comment: This sequence change creates a premature translational stop signal (p.Arg2032Glyfs*2) in the MYO15A gene. It is expected to result in an absent or disrupted protein product. Loss-of-function variants in MYO15A are known to be pathogenic (PMID: 17546645). This variant is not present in population databases (gnomAD no frequency). This variant has not been reported in the literature in individuals affected with MYO15A-related conditions. For these reasons, this variant has been classified as Pathogenic.

Literature cited by the submitters: PubMed 17546645.